The following is an entry in ClinVar:

ClinVar aggregate classification (germline): Uncertain significance (1 of 4 stars; one submission).

Conditions:
FG syndrome (FGS). Identifiers: MedGen C0220769, MONDO:0002010.

Allele frequency attached by ClinVar (database versions not stated): gnomAD exomes 0.00001.
gnomAD v4.1: 6 of 1,167,123 alleles (0.00051%); highest among the groups gnomAD compares: Non-Finnish European, 0.00069%; no homozygotes.

Submission:

Labcorp Genetics (formerly Invitae), Labcorp
Classification: Uncertain significance for FG syndrome. Last evaluated: 2018-10-26. Review status: criteria provided, single submitter. Criteria: Invitae Variant Classification Sherloc (09022015). Collection method: clinical testing. Allele origin: germline.
Comment: This sequence change replaces threonine with alanine at codon 1551 of the MED12 protein (p.Thr1551Ala). The threonine residue is highly conserved and there is a small physicochemical difference between threonine and alanine. This variant is not present in population databases (ExAC no frequency). This variant has not been reported in the literature in individuals with MED12-related disease. Algorithms developed to predict the effect of missense changes on protein structure and function are either unavailable or do not agree on the potential impact of this missense change (SIFT: "Deleterious"; PolyPhen-2: "Benign"; Align-GVGD: "Class C0"). In summary, the available evidence is currently insufficient to determine the role of this variant in disease. Therefore, it has been classified as a Variant of Uncertain Significance.

NM_005120.3(MED12):c.4651A>G (p.Thr1551Ala)

Gene: MED12 (mediator complex subunit 12; plus strand). Cytogenetic location: Xq13.1.
Variant type: single nucleotide variant.
Coding change: c.4651A>G on transcript NM_005120.3 (MANE Select); coding-DNA position 4651, A replaced by G.
Protein change: p.Thr1551Ala; replaces threonine 1551 with alanine.
Molecular consequence: missense variant.
Genome position (GRCh38, 1-based): chrX:71,134,390, A>G. VCF-style: chrX-71134390-A-G. GRCh37 (hg19) VCF-style: chrX-70354240-A-G.
Other names: short protein forms T1551A.
Identifiers: ClinVar variation 645442 (VCV000645442.9), dbSNP rs1375497967, ClinGen allele CA413531435.